The following is an entry in ClinVar:

ClinVar aggregate classification (germline): Uncertain significance (1 of 4 stars; one submission).

Conditions:
KBG syndrome (KBGS). Also called: ANKRD11-Related KBG Syndrome. Identifiers: Orphanet 2332, MedGen C0220687, MONDO:0007846, OMIM 148050.

gnomAD v4.1: 9 of 1,598,406 alleles (0.00056%); highest among the groups gnomAD compares: East Asian, 0.0022%; no homozygotes.

Submission:

Labcorp Genetics (formerly Invitae), Labcorp
Classification: Uncertain significance for KBG syndrome. Last evaluated: 2023-10-29. Review status: criteria provided, single submitter. Criteria: Invitae Variant Classification Sherloc (09022015). Collection method: clinical testing. Allele origin: germline.
Comment: This sequence change replaces glutamic acid, which is acidic and polar, with aspartic acid, which is acidic and polar, at codon 2082 of the ANKRD11 protein (p.Glu2082Asp). This variant is not present in population databases (gnomAD no frequency). This variant has not been reported in the literature in individuals affected with ANKRD11-related conditions. Advanced modeling of protein sequence and biophysical properties (such as structural, functional, and spatial information, amino acid conservation, physicochemical variation, residue mobility, and thermodynamic stability) performed at Invitae indicates that this missense variant is not expected to disrupt ANKRD11 protein function with a negative predictive value of 95%. In summary, the available evidence is currently insufficient to determine the role of this variant in disease. Therefore, it has been classified as a Variant of Uncertain Significance.

NM_013275.6(ANKRD11):c.6246G>T (p.Glu2082Asp)

Gene: ANKRD11 (ankyrin repeat domain 11; minus strand). Cytogenetic location: 16q24.3.
Variant type: single nucleotide variant.
Coding change: c.6246G>T on transcript NM_013275.6 (MANE Select); coding-DNA position 6246, G replaced by T.
Protein change: p.Glu2082Asp; replaces glutamic acid 2082 with aspartic acid.
Molecular consequence: missense variant.
Genome position (GRCh38, 1-based): chr16:89,280,296, C>A on the plus strand (G>T on the coding strand, the complement: ANKRD11 is on the minus strand). VCF-style: chr16-89280296-C-A. GRCh37 (hg19) VCF-style: chr16-89346704-C-A.
Other names: c.6246G>T, p.Glu2082Asp (NM_001256182.2, NM_001256183.2); short protein forms E2082D.
Identifiers: ClinVar variation 2974246 (VCV002974246.3), dbSNP rs2544223309, ClinGen allele CA397151561.